The following is an entry in ClinVar:

ClinVar aggregate classification (germline): Conflicting classifications of pathogenicity. Review status: criteria provided, conflicting classifications (1 of 4 stars). 2 submissions from 2 submitters: Uncertain significance (1); Likely benign (1). Last evaluated 2025-12-03.

Conditions:
Holoprosencephaly 9 (HPE9). Also called: HOLOPROSENCEPHALY WITH MICROPHTHALMIA AND FIRST BRANCHIAL ARCH ANOMALIES; PITUITARY ANOMALIES WITH HOLOPROSENCEPHALY-LIKE FEATURES. Identifiers: Orphanet 2162, MedGen C1835819, MONDO:0012563, OMIM 610829.
Postaxial polydactyly-anterior pituitary anomalies-facial dysmorphism syndrome. Also called: Culler-Jones syndrome. Identifiers: Orphanet 420584, MedGen C4014479, MONDO:0014369, OMIM 615849.

Allele frequency attached by ClinVar (database versions not stated): TOPMed 0.00002; gnomAD 0.00001.
gnomAD v4.1: 15 of 1,613,336 alleles (0.00093%); highest among the groups gnomAD compares: South Asian, 0.0066%; no homozygotes.

Submissions (2):

Labcorp Genetics (formerly Invitae), Labcorp
Classification: Uncertain significance for Postaxial polydactyly-anterior pituitary anomalies-facial dysmorphism syndrome; Holoprosencephaly 9. Last evaluated: 2025-12-03. Review status: criteria provided, single submitter. Criteria: Invitae Variant Classification Sherloc (09022015). Collection method: clinical testing. Allele origin: germline.
Comment: This sequence change affects codon 506 of the GLI2 mRNA. It is a 'silent' change, meaning that it does not change the encoded amino acid sequence of the GLI2 protein. This variant also falls at the last nucleotide of exon 9, which is part of the consensus splice site for this exon. This variant is present in population databases (no rsID available, gnomAD 0.006%). This variant has not been reported in the literature in individuals affected with GLI2-related conditions. ClinVar contains an entry for this variant (Variation ID: 508891). Variants that disrupt the consensus splice site are a relatively common cause of aberrant splicing (PMID: 17576681, 9536098). Algorithms developed to predict the effect of sequence changes on RNA splicing suggest that this variant is not likely to affect RNA splicing. In summary, the available evidence is currently insufficient to determine the role of this variant in disease. Therefore, it has been classified as a Variant of Uncertain Significance.

GeneDx
Classification: Likely benign. Last evaluated: 2017-04-21. Review status: criteria provided, single submitter. Criteria: GeneDx Variant Classification (06012015). Collection method: clinical testing. Allele origin: germline. Affected: yes.
Comment: This variant is considered likely benign or benign based on one or more of the following criteria: it is a conservative change, it occurs at a poorly conserved position in the protein, it is predicted to be benign by multiple in silico algorithms, and/or has population frequency not consistent with disease.

Literature cited by the submitters: PubMed 17576681 (cited by Labcorp Genetics (formerly Invitae), Labcorp); PubMed 9536098 (cited by Labcorp Genetics (formerly Invitae), Labcorp).

NM_001374353.1(GLI2):c.1467G>A (p.Thr489=)

Gene: GLI2 (GLI family zinc finger 2; plus strand). Cytogenetic location: 2q14.2.
Variant type: single nucleotide variant.
Coding change: c.1467G>A on transcript NM_001374353.1 (MANE Select); coding-DNA position 1467, G replaced by A.
Protein change: p.Thr489=; no amino-acid change (threonine 489 retained).
Molecular consequence: synonymous variant.
Genome position (GRCh38, 1-based): chr2:120,978,583, G>A. VCF-style: chr2-120978583-G-A. GRCh37 (hg19) VCF-style: chr2-121736159-G-A.
Other names: c.1518G>A, p.Thr506= (NM_001371271.1, NM_005270.5); c.1092G>A, p.Thr364= (NM_001374354.1).
Identifiers: ClinVar variation 508891 (VCV000508891.3), dbSNP rs1016718367, ClinGen allele CA54373368.
Genomic context (GRCh38, chr2:120,978,583, plus strand): 5'-GCAGTACATGCTGGTGGTGCACATGCGGCGACACACGGGCGAGAAGCCCCACAAGTGCAC[G>A]GTGAGTGGCCTTCTCCCCACCCCCGCCGCAGCATCAAGACTGGCCTGTCAGCCAGGCCGG-3'
Protein context (NP_001361282.1, residues 479-499): RHTGEKPHKC[Thr489=]FEGCSKAYSR